The following is an entry in ClinVar:

ClinVar aggregate classification (germline): Benign/Likely benign. Review status: criteria provided, multiple submitters, no conflicts (2 of 4 stars). 8 submissions from 8 submitters: Benign (3); Likely benign (3). 2 of the submissions do not count toward it. Last evaluated 2026-01-25.

Conditions:
Arrhythmogenic right ventricular dysplasia 9 (ARVD9). Also called: Arrhythmogenic Right Ventricular Dysplasia/Cardiomyopathy 9; ARRHYTHMOGENIC RIGHT VENTRICULAR DYSPLASIA, FAMILIAL, 9. Identifiers: MedGen C1836906, MONDO:0012180, OMIM 609040.

Submissions (8):

Labcorp Genetics (formerly Invitae), Labcorp
Classification: Benign for Arrhythmogenic right ventricular dysplasia 9. Last evaluated: 2026-01-25. Review status: criteria provided, single submitter. Criteria: Invitae Variant Classification Sherloc (09022015). Collection method: clinical testing. Allele origin: germline.

Mayo Clinic Laboratories, Mayo Clinic
Classification: Likely benign. Last evaluated: 2025-06-05. Review status: criteria provided, single submitter. Criteria: ACMG Guidelines, 2015. Collection method: clinical testing. Allele origin: germline. Observed: 1 variant allele.
Comment: BP4, BP7

Molecular Diagnostic Laboratory for Inherited Cardiovascular Disease, Montreal Heart Institute
Classification: Benign. Last evaluated: 2025-04-09. Review status: criteria provided, single submitter. Criteria: ACMG Guidelines, 2015. Collection method: clinical testing. Allele origin: germline. Affected: no.
Comment: BS1;BP6

Centre for Mendelian Genomics, University Medical Centre Ljubljana
Classification: Likely benign for Arrhythmogenic right ventricular dysplasia 9. Last evaluated: 2019-05-23. Review status: criteria provided, single submitter. Criteria: ACMG Guidelines, 2015. Collection method: clinical testing. Allele origin: unknown. Affected: yes.
Comment: This variant was classified as: Likely benign. The following ACMG criteria were applied in classifying this variant: BP4,BP6.

Genome Diagnostics Laboratory, University Medical Center Utrecht
Classification: Benign for Arrhythmogenic right ventricular dysplasia 9. Last evaluated: 2017-05-23. Review status: criteria provided, single submitter. Criteria: ACGS Guidelines, 2013. Collection method: clinical testing. Allele origin: germline. Affected: yes. Study: VKGL Data-share Consensus.

Clinical Genetics DNA and cytogenetics Diagnostics Lab, Erasmus MC, Erasmus Medical Center
Classification: Likely benign for Arrhythmogenic right ventricular dysplasia 9. Last evaluated: 2015-09-21. Review status: criteria provided, single submitter. Criteria: ACGS Guidelines, 2013. Collection method: clinical testing. Allele origin: germline. Affected: yes. Study: VKGL Data-share Consensus.

Clinical Genetics, Academic Medical Center
Classification: Benign. Review status: no assertion criteria provided. Collection method: clinical testing. Allele origin: germline. Affected: yes. Study: VKGL Data-share Consensus. Not counted in ClinVar's aggregate classification.

Joint Genome Diagnostic Labs from Nijmegen and Maastricht, Radboudumc and MUMC+
Classification: Likely benign. Review status: no assertion criteria provided. Collection method: clinical testing. Allele origin: germline. Affected: yes. Study: VKGL Data-share Consensus. Not counted in ClinVar's aggregate classification.

NM_001005242.3(PKP2):c.2168-11dup

Gene: PKP2 (plakophilin 2; minus strand). Cytogenetic location: 12p11.21.
Variant type: Duplication.
Coding change: c.2168-11dup on transcript NM_001005242.3 (MANE Select); 11 bases into the intron before coding-DNA position 2168, one base duplicated (T; older notation c.2168-11dupT).
Molecular consequence: intron variant.
Genome position (GRCh38, 1-based): chr12:32,796,309, A duplicated on the plus strand (T on the coding strand, the reverse complement: PKP2 is on the minus strand); the first of 10 consecutive A bases (chr12:32,796,309-32,796,318); duplicating any one gives the same sequence. VCF-style (leftmost placement, unchanged base first): chr12-32796308-G-GA. GRCh37 (hg19) VCF-style: chr12-32949242-G-GA.
Other names: p.?; c.2300-11dup (NM_004572.4, NM_004572.3); c.2300-11_2300-10insT (NM_004572.3); c.2168-11dup (NM_001005242.2).
Identifiers: ClinVar variation 522207 (VCV000522207.18), dbSNP rs746936605, ClinGen allele CA6508276.